The following is an entry in ClinVar:

ClinVar aggregate classification (germline): Likely benign (0 of 4 stars; one submission).

Conditions:
FTH1-related disorder. Also called: FTH1-related condition.

Allele frequency attached by ClinVar (database versions not stated): gnomAD exomes 0.00008; gnomAD 0.00002; TOPMed 0.00002; ExAC 0.00003.
gnomAD v4.1: 109 of 1,598,034 alleles (0.0068%); highest among the groups gnomAD compares: South Asian, 0.012%; no homozygotes.

Submission:

PreventionGenetics, part of Exact Sciences
Classification: Likely benign for FTH1-related condition. Last evaluated: 2021-09-07. Review status: no assertion criteria provided. Collection method: clinical testing. Allele origin: germline.
Comment: This variant is classified as likely benign based on ACMG/AMP sequence variant interpretation guidelines (Richards et al. 2015 PMID: 25741868, with internal and published modifications).

NM_002032.3(FTH1):c.*5C>T

Genes: BEST1 (bestrophin 1; plus strand), FTH1 (ferritin heavy chain 1; minus strand). Cytogenetic location: 11q12.3.
Variant type: single nucleotide variant.
Coding change: c.*5C>T on transcript NM_002032.3 (MANE Select); 5 bases downstream of the stop codon, C replaced by T.
Molecular consequence: 3 prime UTR variant.
Genome position (GRCh38, 1-based): chr11:61,964,722, G>A on the plus strand (C>T on the coding strand, the complement: FTH1 is on the minus strand). VCF-style: chr11-61964722-G-A. GRCh37 (hg19) VCF-style: chr11-61732194-G-A.
Identifiers: ClinVar variation 3046577 (VCV003046577.2), dbSNP rs780121825, ClinGen allele CA6041196.